The following is an entry in ClinVar:

NM_130384.3(ATRIP):c.316G>A (p.Val106Ile)

Genes: ATRIP (ATR interacting protein; plus strand), ATRIP-TREX1 (ATRIP-TREX1 readthrough; plus strand). Cytogenetic location: 3p21.31.
Variant type: single nucleotide variant.
Coding change: c.316G>A on transcript NM_130384.3 (MANE Select); coding-DNA position 316, G replaced by A.
Protein change: p.Val106Ile; replaces valine 106 with isoleucine.
Molecular consequence: missense variant. On other transcripts: non-coding transcript variant (1), 5 prime UTR variant (1).
Genome position (GRCh38, 1-based): chr3:48,450,105, G>A. VCF-style: chr3-48450105-G-A. GRCh37 (hg19) VCF-style: chr3-48491511-G-A.
Other names: c.316G>A (NM_130384.1); c.-149G>A (NM_001271022.2); c.37G>A, p.Val13Ile (NM_001271023.2); c.316G>A, p.Val106Ile (NM_032166.4); short protein forms V13I, V106I.
Identifiers: ClinVar variation 1953965 (VCV001953965.6), dbSNP rs368911609, ClinGen allele CA73969962.

ClinVar aggregate classification (germline): Conflicting classifications of pathogenicity. Review status: criteria provided, conflicting classifications (1 of 4 stars). 2 submissions from 2 submitters: Uncertain significance (1); Likely benign (1). Last evaluated 2026-02-10.

gnomAD v4.1: 10 of 1,613,372 alleles (0.00062%); highest among the groups gnomAD compares: Non-Finnish European, 0.00076%; no homozygotes.

Submissions (2):

Ambry Genetics
Classification: Likely benign. Last evaluated: 2026-02-10. Review status: criteria provided, single submitter. Criteria: Ambry Variant Classification Scheme 2023. Collection method: clinical testing. Allele origin: germline.

Labcorp Genetics (formerly Invitae), Labcorp
Classification: Uncertain significance. Last evaluated: 2022-09-01. Review status: criteria provided, single submitter. Criteria: Invitae Variant Classification Sherloc (09022015). Collection method: clinical testing. Allele origin: germline.
Comment: In summary, the available evidence is currently insufficient to determine the role of this variant in disease. Therefore, it has been classified as a Variant of Uncertain Significance. Algorithms developed to predict the effect of missense changes on protein structure and function output the following: SIFT: "Tolerated"; PolyPhen-2: "Benign"; Align-GVGD: "Class C0". The isoleucine amino acid residue is found in multiple mammalian species, which suggests that this missense change does not adversely affect protein function. This variant has not been reported in the literature in individuals affected with ATRIP-related conditions. This variant is present in population databases (no rsID available, gnomAD 0.0009%). This sequence change replaces valine, which is neutral and non-polar, with isoleucine, which is neutral and non-polar, at codon 106 of the ATRIP protein (p.Val106Ile).